The following is an entry in ClinVar:

ClinVar aggregate classification (germline): Uncertain significance (1 of 4 stars; one submission).

Submission:

GeneDx
Classification: Uncertain significance. Last evaluated: 2024-10-02. Review status: criteria provided, single submitter. Criteria: GeneDx Variant Classification Process June 2021. Collection method: clinical testing. Allele origin: germline. Affected: yes.
Comment: Not observed at significant frequency in large population cohorts (gnomAD); In silico analysis supports that this missense variant has a deleterious effect on protein structure/function; Has not been previously published as pathogenic or benign to our knowledge

NM_170606.3(KMT2C):c.1463G>A (p.Cys488Tyr)

Gene: KMT2C (lysine methyltransferase 2C; minus strand). Cytogenetic location: 7q36.1.
Variant type: single nucleotide variant.
Coding change: c.1463G>A on transcript NM_170606.3 (MANE Select); coding-DNA position 1463, G replaced by A.
Protein change: p.Cys488Tyr; replaces cysteine 488 with tyrosine.
Molecular consequence: missense variant.
Genome position (GRCh38, 1-based): chr7:152,252,552, C>T on the plus strand (G>A on the coding strand, the complement: KMT2C is on the minus strand). VCF-style: chr7-152252552-C-T. GRCh37 (hg19) VCF-style: chr7-151949637-C-T.
Other names: short protein forms C488Y.
Identifiers: ClinVar variation 3777417 (VCV003777417.1).
Genomic context (GRCh38, chr7:152,252,552, plus strand): 5'-CCACATGAATAAAACAATCGACAAAACAACTGAATAGAATAACTATCTTCTTACCTTTTG[C>T]ACATATTACAATGAAGCATGTCTTTCTGCAATTCTGGATGATAACACTTCCCACAGAAGG-3'
Protein context (NP_733751.2, residues 478-498): LQKDMLHCNM[Cys488Tyr]KRWVHLECDK